The following is an entry in ClinVar:

ClinVar aggregate classification (germline): Pathogenic (1 of 4 stars; one submission).

Conditions:
Hereditary cancer-predisposing syndrome. Also called: Neoplastic Syndromes, Hereditary; Tumor predisposition; Hereditary Cancer Syndrome; Hereditary neoplastic syndrome. Identifiers: Orphanet 140162, MedGen C0027672, MeSH D009386, MONDO:0015356.

Submission:

Ambry Genetics
Classification: Pathogenic for Hereditary cancer-predisposing syndrome. Last evaluated: 2025-12-22. Review status: criteria provided, single submitter. Criteria: Ambry Variant Classification Scheme 2023. Collection method: clinical testing. Allele origin: germline.
Comment: The c.368dupC pathogenic mutation, located in coding exon 5 of the SDHC gene, results from a duplication of C at nucleotide position 368, causing a translational frameshift with a predicted alternate stop codon (p.L124Sfs*83). This alteration occurs at the 3' terminus of thegene, is not expected to trigger nonsense-mediated mRNAdecay and results in the elongation of the protein by 36 amino acids. This frameshift impacts the last 46 amino acids of the native protein. However, frameshifts are typically deleterious in nature and the impacted region is critical for protein function (Ambry internal data). This variant was reported in individual(s) with features consistent with SDHC-related hereditary pheochromocytoma-paraganglioma (Ambry internal data). This variant is considered to be rare based on population cohorts in the Genome Aggregation Database (gnomAD). Based on the supporting evidence, this variant is interpreted as a disease-causing mutation.

NM_003001.5(SDHC):c.368dup (p.Leu124fs)

Gene: SDHC (succinate dehydrogenase complex subunit C; plus strand). Cytogenetic location: 1q23.3.
Variant type: Duplication.
Coding change: c.368dup on transcript NM_003001.5 (MANE Select); coding-DNA position 368, one base duplicated (C; older notation c.368dupC).
Protein change: p.Leu124fs; shifts the reading frame from leucine 124.
Molecular consequence: frameshift variant. On other transcripts: non-coding transcript variant (1), intron variant (3).
Genome position (GRCh38, 1-based): chr1:161,356,803, C duplicated; the last of 3 consecutive C bases (chr1:161,356,801-161,356,803); duplicating any one gives the same sequence. VCF-style (leftmost placement, unchanged base first): chr1-161356800-T-TC. GRCh37 (hg19) VCF-style: chr1-161326590-T-TC.
Other names: c.368dupC (NM_003001.3); c.266dup, p.Leu90fs (NM_001035512.3); c.209dup, p.Leu71fs (NM_001035513.3); c.488dup, p.Leu164fs (NM_001407115.1); c.311dup, p.Leu105fs (NM_001407116.1); c.305dup, p.Leu103fs (NM_001407117.1); c.260dup, p.Leu88fs (NM_001407118.1); c.257dup, p.Leu87fs (NM_001407119.1, NM_001407120.1); and 3 more; short protein forms L71fs, L88fs, L124fs, L87fs, L105fs, L164fs, L103fs, L90fs.
Identifiers: ClinVar variation 4841395 (VCV004841395.1).
Genomic context (GRCh38, chr1:161,356,800, plus strand): 5'-TTGTGAAGTCCCTGTGTCTGGGGCCAGCACTGATCCACACAGCTAAGTTTGCACTTGTCT[T>TC]CCCTCTCATGTATCATACCTGGAATGGGATCCGACACTTGGTAAGTTAATTCGGGATTTG-3'